The following is an entry in ClinVar:

ClinVar aggregate classification (germline): Uncertain significance. Review status: criteria provided, multiple submitters, no conflicts (2 of 4 stars). 2 submissions from 2 submitters: Uncertain significance (2). Last evaluated 2025-02-11.

Conditions:
Hereditary cancer-predisposing syndrome. Also called: Hereditary neoplastic syndrome; Tumor predisposition; Neoplastic Syndromes, Hereditary; Hereditary Cancer Syndrome. Identifiers: Orphanet 140162, MedGen C0027672, MeSH D009386, MONDO:0015356.

Allele frequency attached by ClinVar (database versions not stated): gnomAD exomes below 0.00001.

Submissions (2):

Ambry Genetics
Classification: Uncertain significance for Hereditary cancer-predisposing syndrome. Last evaluated: 2025-02-11. Review status: criteria provided, single submitter. Criteria: Ambry Variant Classification Scheme 2023. Collection method: clinical testing. Allele origin: germline.
Comment: The p.L1150Q variant (also known as c.3449T>A), located in coding exon 22 of the RAD50 gene, results from a T to A substitution at nucleotide position 3449. The leucine at codon 1150 is replaced by glutamine, an amino acid with dissimilar properties. This amino acid position is conserved. In addition, this alteration is predicted to be deleterious by in silico analysis. Based on the available evidence, the clinical significance of this variant remains unclear.

Labcorp Genetics (formerly Invitae), Labcorp
Classification: Uncertain significance for Hereditary cancer-predisposing syndrome. Last evaluated: 2023-09-15. Review status: criteria provided, single submitter. Criteria: Invitae Variant Classification Sherloc (09022015). Collection method: clinical testing. Allele origin: germline.
Comment: This variant is not present in population databases (gnomAD no frequency). This variant has not been reported in the literature in individuals affected with RAD50-related conditions. Advanced modeling of protein sequence and biophysical properties (such as structural, functional, and spatial information, amino acid conservation, physicochemical variation, residue mobility, and thermodynamic stability) performed at Invitae indicates that this missense variant is expected to disrupt RAD50 protein function. In summary, the available evidence is currently insufficient to determine the role of this variant in disease. Therefore, it has been classified as a Variant of Uncertain Significance. This sequence change replaces leucine, which is neutral and non-polar, with glutamine, which is neutral and polar, at codon 1150 of the RAD50 protein (p.Leu1150Gln).

NM_005732.4(RAD50):c.3449T>A (p.Leu1150Gln)

Genes: RAD50 (RAD50 double strand break repair protein; plus strand), TH2LCRR (T helper type 2 locus control region associated RNA; minus strand), TH2-LCR (Th2 cytokine locus control region; plus strand). Cytogenetic location: 5q31.1.
Variant type: single nucleotide variant.
Coding change: c.3449T>A on transcript NM_005732.4 (MANE Select); coding-DNA position 3449, T replaced by A.
Protein change: p.Leu1150Gln; replaces leucine 1150 with glutamine.
Molecular consequence: missense variant.
Genome position (GRCh38, 1-based): chr5:132,637,174, T>A. VCF-style: chr5-132637174-T-A. GRCh37 (hg19) VCF-style: chr5-131972866-T-A.
Other names: c.3449T>A (NM_005732.3); short protein forms L1150Q.
Identifiers: ClinVar variation 2861131 (VCV002861131.4), dbSNP rs2479424849, ClinGen allele CA360930356.